The following is an entry in ClinVar:

NM_003924.4(PHOX2B):c.261G>A (p.Thr87=)

Gene: PHOX2B (paired like homeobox 2B; minus strand). Cytogenetic location: 4p13.
Variant type: single nucleotide variant.
Coding change: c.261G>A on transcript NM_003924.4 (MANE Select); coding-DNA position 261, G replaced by A.
Protein change: p.Thr87=; no amino-acid change (threonine 87 retained).
Molecular consequence: synonymous variant.
Genome position (GRCh38, 1-based): chr4:41,747,517, C>T on the plus strand (G>A on the coding strand, the complement: PHOX2B is on the minus strand). VCF-style: chr4-41747517-C-T. GRCh37 (hg19) VCF-style: chr4-41749534-C-T.
Identifiers: ClinVar variation 3888488 (VCV003888488.1).

ClinVar aggregate classification (germline): Uncertain significance (1 of 4 stars; one submission).

Conditions:
Hereditary cancer-predisposing syndrome. Also called: Tumor predisposition; Neoplastic Syndromes, Hereditary; Hereditary Cancer Syndrome; Hereditary neoplastic syndrome. Identifiers: Orphanet 140162, MedGen C0027672, MeSH D009386, MONDO:0015356.

Submission:

Ambry Genetics
Classification: Uncertain significance for Hereditary cancer-predisposing syndrome. Last evaluated: 2024-12-20. Review status: criteria provided, single submitter. Criteria: Ambry Variant Classification Scheme 2023. Collection method: clinical testing. Allele origin: germline.
Comment: The c.261G>A variant (also known as p.T87T), located in coding exon 2 of the PHOX2B gene, results from a G to A substitution at nucleotide position 261. This nucleotide substitution does not change the amino acid at codon 87. This nucleotide position is poorly conserved in available vertebrate species. In silico splice site analysis predicts that this alteration will result in the creation or strengthening of a novel splice acceptor site. Based on the available evidence, the clinical significance of this variant remains unclear.